The following is an entry in ClinVar:

NM_000117.3(EMD):c.123C>G (p.Tyr41Ter)

Gene: EMD (emerin; plus strand). Cytogenetic location: Xq28.
Variant type: single nucleotide variant.
Coding change: c.123C>G on transcript NM_000117.3 (MANE Select); coding-DNA position 123, C replaced by G.
Protein change: p.Tyr41Ter; replaces tyrosine 41 with a stop codon.
Molecular consequence: nonsense.
Genome position (GRCh38, 1-based): chrX:154,379,730, C>G. VCF-style: chrX-154379730-C-G. GRCh37 (hg19) VCF-style: chrX-153608090-C-G.
Other names: short protein forms Y41*.
Identifiers: ClinVar variation 4710925 (VCV004710925.2).

ClinVar aggregate classification (germline): Pathogenic (1 of 4 stars; one submission).

Conditions:
X-linked Emery-Dreifuss muscular dystrophy. Also called: Muscular dystrophy, tardive Emery-Dreifuss type, with contractures. Identifiers: Orphanet 261, Orphanet 98863, MedGen C0751337, MONDO:0010680.

Submission:

Labcorp Genetics (formerly Invitae), Labcorp
Classification: Pathogenic for X-linked Emery-Dreifuss muscular dystrophy. Last evaluated: 2025-06-18. Review status: criteria provided, single submitter. Criteria: Invitae Variant Classification Sherloc (09022015). Collection method: clinical testing. Allele origin: germline.
Comment: This sequence change creates a premature translational stop signal (p.Tyr41*) in the EMD gene. It is expected to result in an absent or disrupted protein product. Loss-of-function variants in EMD are known to be pathogenic (PMID: 24365856). This variant is not present in population databases (gnomAD no frequency). This premature translational stop signal has been observed in individual(s) with Emery-Dreifuss muscular dystrophy (PMID: 8595407). This variant is also known as 356C>G. For these reasons, this variant has been classified as Pathogenic.

Literature cited by the submitters: PubMed 24365856; PubMed 8595407.